The following is an entry in ClinVar:

ClinVar aggregate classification (germline): Likely benign. Review status: criteria provided, multiple submitters, no conflicts (2 of 4 stars). 2 submissions from 2 submitters: Likely benign (2). Last evaluated 2024-08-30.

Allele frequency attached by ClinVar (database versions not stated): TOPMed 0.00001; gnomAD 0.00002; gnomAD exomes 0.00002; ExAC 0.00007.
gnomAD v4.1: 39 of 1,613,302 alleles (0.0024%); highest among the groups gnomAD compares: South Asian, 0.03%; no homozygotes.

Submissions (2):

Blueprint Genetics
Classification: Likely benign. Last evaluated: 2024-08-30. Review status: criteria provided, single submitter. Criteria: ACMG Guidelines, 2015. Collection method: clinical testing. Allele origin: germline.

CeGaT Center for Human Genetics Tuebingen
Classification: Likely benign. Last evaluated: 2024-01-01. Review status: criteria provided, single submitter. Criteria: CeGaT Center For Human Genetics Tuebingen Variant Classification Criteria Version 2. Collection method: clinical testing. Allele origin: germline. Affected: yes. Observed: 1 variant allele.
Comment: HERC2: BP4, BP7

NM_004667.6(HERC2):c.12933A>T (p.Ala4311=)

Gene: HERC2 (HECT and RLD domain containing E3 ubiquitin protein ligase 2; minus strand). Cytogenetic location: 15q13.1.
Variant type: single nucleotide variant.
Coding change: c.12933A>T on transcript NM_004667.6 (MANE Select); coding-DNA position 12933, A replaced by T.
Protein change: p.Ala4311=; no amino-acid change (alanine 4311 retained).
Molecular consequence: synonymous variant.
Genome position (GRCh38, 1-based): chr15:28,125,063, T>A on the plus strand (A>T on the coding strand, the complement: HERC2 is on the minus strand). VCF-style: chr15-28125063-T-A. GRCh37 (hg19) VCF-style: chr15-28370209-T-A.
Identifiers: ClinVar variation 3025807 (VCV003025807.23), dbSNP rs751317705, ClinGen allele CA7440184.